The following is an entry in ClinVar:

ClinVar aggregate classification (germline): Uncertain significance (1 of 4 stars; one submission).

Allele frequency attached by ClinVar (database versions not stated): gnomAD 0.00001.
gnomAD v4.1: 2 of 1,613,260 alleles (0.00012%); highest among the groups gnomAD compares: Admixed American, 0.0017%; no homozygotes.

Submission:

Labcorp Genetics (formerly Invitae), Labcorp
Classification: Uncertain significance. Last evaluated: 2022-11-08. Review status: criteria provided, single submitter. Criteria: Invitae Variant Classification Sherloc (09022015). Collection method: clinical testing. Allele origin: germline.
Comment: In summary, the available evidence is currently insufficient to determine the role of this variant in disease. Therefore, it has been classified as a Variant of Uncertain Significance. Algorithms developed to predict the effect of missense changes on protein structure and function (SIFT, PolyPhen-2, Align-GVGD) all suggest that this variant is likely to be tolerated. This variant has not been reported in the literature in individuals affected with SLC34A1-related conditions. This variant is not present in population databases (gnomAD no frequency). This sequence change replaces valine, which is neutral and non-polar, with methionine, which is neutral and non-polar, at codon 491 of the SLC34A1 protein (p.Val491Met).

NM_003052.5(SLC34A1):c.1471G>A (p.Val491Met)

Gene: SLC34A1 (solute carrier family 34 member 1; plus strand). Cytogenetic location: 5q35.3.
Variant type: single nucleotide variant.
Coding change: c.1471G>A on transcript NM_003052.5 (MANE Select); coding-DNA position 1471, G replaced by A.
Protein change: p.Val491Met; replaces valine 491 with methionine.
Molecular consequence: missense variant.
Genome position (GRCh38, 1-based): chr5:177,397,837, G>A. VCF-style: chr5-177397837-G-A. GRCh37 (hg19) VCF-style: chr5-176824838-G-A.
Other names: short protein forms V491M.
Identifiers: ClinVar variation 2041017 (VCV002041017.4), dbSNP rs1763021220, ClinGen allele CA362316194.